The following is an entry in ClinVar:

NM_001370259.2(MEN1):c.108_122dup (p.Leu37_Leu41dup)

Gene: MEN1 (menin 1; minus strand). Cytogenetic location: 11q13.1.
Variant type: Duplication.
Coding change: c.108_122dup on transcript NM_001370259.2 (MANE Select); coding-DNA positions 108 to 122, 15 bases duplicated (CCTTTCCTTGGTGCT).
Protein change: p.Leu37_Leu41dup.
Molecular consequence: inframe insertion.
Genome position (GRCh38, 1-based): chr11:64,809,988-64,810,002, AGCACCAAGGAAAGG duplicated on the plus strand (CCTTTCCTTGGTGCT on the coding strand, the reverse complement: MEN1 is on the minus strand); duplicating any 15 consecutive bases within chr11:64,809,988-64,810,009 gives the same sequence; the c. name uses the placement nearest the transcript's 3' end. VCF-style (leftmost placement, unchanged base first): chr11-64809987-C-CAGCACCAAGGAAAGG. GRCh37 (hg19) VCF-style: chr11-64577459-C-CAGCACCAAGGAAAGG.
Other names: c.108_122dupCCTTTCCTTGGTGCT (NM_130799.2); c.108_122dup, p.Leu37_Leu41dup (NM_130804.3, NM_000244.4, NM_001370251.2 and 9 more transcripts); c.108_122dup15 (NM_130799.3).
Identifiers: ClinVar variation 527284 (VCV000527284.10), dbSNP rs1555166695, ClinGen allele CA658797666.

ClinVar aggregate classification (germline): Uncertain significance. Review status: criteria provided, multiple submitters, no conflicts (2 of 4 stars). 2 submissions from 2 submitters: Uncertain significance (2). Last evaluated 2024-12-19.

Conditions:
Multiple endocrine neoplasia, type 1 (MEN1). Also called: MEN I; WERMER SYNDROME; Endocrine adenomatosis multiple; MEN 1; MEA I. Identifiers: Orphanet 652, MedGen C0025267, MeSH D018761, MONDO:0007540, OMIM 131100.

Submissions (2):

Women's Health and Genetics/Laboratory Corporation of America, LabCorp
Classification: Uncertain significance. Last evaluated: 2024-12-19. Review status: criteria provided, single submitter. Criteria: LabCorp Variant Classification Summary - May 2015. Collection method: clinical testing. Allele origin: germline.
Comment: Variant summary: MEN1 c.108_122dup15 (p.Leu37_Leu41dup; also described as 34-38ins: 5aa in the literature) results in an in-frame duplication that is predicted to duplicate 5 amino acids into the encoded protein. The variant was absent in 220222 control chromosomes (gnomAD). c.108_122dup15 has been reported in the literature in individuals affected with multiple endocrine neoplasia Type 1 (examples: Bassett _1998, Internal data). These data indicate that the variant may be associated with disease. To our knowledge, no experimental evidence demonstrating an impact on protein function has been reported. The following publications have been ascertained in the context of this evaluation (PMID: 9463336, 12112656, 10730900). ClinVar contains an entry for this variant (Variation ID: 527284). Based on the evidence outlined above, the variant was classified as VUS-possibly pathogenic.

Labcorp Genetics (formerly Invitae), Labcorp
Classification: Uncertain significance for Multiple endocrine neoplasia, type 1. Last evaluated: 2023-08-11. Review status: criteria provided, single submitter. Criteria: Invitae Variant Classification Sherloc (09022015). Collection method: clinical testing. Allele origin: germline.
Comment: In summary, the available evidence is currently insufficient to determine the role of this variant in disease. Therefore, it has been classified as a Variant of Uncertain Significance. Experimental studies and prediction algorithms are not available or were not evaluated, and the functional significance of this variant is currently unknown. ClinVar contains an entry for this variant (Variation ID: 527284). This variant is also known as "34-38: ins5aa". This variant has been observed in individual(s) with multiple endocrine neoplasia type 1 (PMID: 9463336). This variant is not present in population databases (gnomAD no frequency). This variant, c.108_122dup, results in the insertion of 5 amino acid(s) of the MEN1 protein (p.Leu37_Leu41dup), but otherwise preserves the integrity of the reading frame.

Literature cited by the submitters: PubMed 9463336 (cited by Women's Health and Genetics/Laboratory Corporation of America, LabCorp and Labcorp Genetics (formerly Invitae), Labcorp); PubMed 12112656 (cited by Women's Health and Genetics/Laboratory Corporation of America, LabCorp); PubMed 10730900 (cited by Women's Health and Genetics/Laboratory Corporation of America, LabCorp).